The following is an entry in ClinVar:

NM_001142800.2(EYS):c.6799_6800del (p.Gln2267fs)

Gene: EYS (EGF-like photoreceptor maintenance factor; minus strand). Cytogenetic location: 6q12.
Variant type: Deletion.
Coding change: c.6799_6800del on transcript NM_001142800.2 (MANE Select); coding-DNA positions 6799 to 6800, 2 bases deleted (CA; older notation c.6799_6800delCA).
Protein change: p.Gln2267fs; shifts the reading frame from glutamine 2267.
Molecular consequence: frameshift variant.
Genome position (GRCh38, 1-based): chr6:63,999,109-63,999,110, TG deleted on the plus strand (CA on the coding strand, the reverse complement: EYS is on the minus strand); deleting any 2 consecutive bases within chr6:63,999,109-63,999,111 gives the same sequence; the c. name uses the placement nearest the transcript's 3' end. VCF-style (leftmost placement, unchanged base first): chr6-63999108-CTG-C. GRCh37 (hg19) VCF-style: chr6-64709001-CTG-C.
Other names: c.6799_6800del, p.Gln2267fs (NM_001292009.2); c.6799_6800delCA (NM_001142800.1, NM_001142800.2); short protein forms Q2267fs.
Identifiers: ClinVar variation 2136427 (VCV002136427.8), dbSNP rs2533373816, ClinGen allele CA2580075624.

ClinVar aggregate classification (germline): Pathogenic. Review status: criteria provided, multiple submitters, no conflicts (2 of 4 stars). 5 submissions from 5 submitters: Pathogenic (5). Last evaluated 2026-04-14.

Conditions:
Retinitis pigmentosa (RP). Identifiers: Orphanet 791, MedGen C0035334, MeSH D012174, MONDO:0019200, OMIM 268000. Inheritance: Autosomal dominant, autosomal recessive and X linked inheritance.
Retinitis pigmentosa 25 (RP25). Identifiers: Orphanet 791, MedGen C1864446, MONDO:0011272, OMIM 602772.
EYS-related disorder. Also called: EYS-related condition.

Submissions (5):

Women's Health and Genetics/Laboratory Corporation of America, LabCorp
Classification: Pathogenic for Retinitis pigmentosa. Last evaluated: 2026-04-14. Review status: criteria provided, single submitter. Criteria: LabCorp Variant Classification Summary - May 2015. Collection method: clinical testing. Allele origin: germline.
Comment: Variant summary: EYS c.6799_6800delCA (p.Gln2267GlufsX15) results in a premature termination codon, predicted to cause a truncation of the encoded protein or absence of the protein due to nonsense mediated decay, which are commonly known mechanisms for disease. The variant was absent in 158044 control chromosomes. c.6799_6800delCA has been observed in individual(s) affected with Retinitis Pigmentosa (e.g. Pierrache_2019). These data indicate that the variant may be associated with disease. To our knowledge, no experimental evidence demonstrating an impact on protein function has been reported. The following publication has been ascertained in the context of this evaluation (PMID: 31074760). ClinVar contains an entry for this variant (Variation ID: 2136427). Based on the evidence outlined above, the variant was classified as pathogenic.

Natera, Inc.
Classification: Pathogenic for Retinitis pigmentosa type 25. Last evaluated: 2024-04-12. Review status: criteria provided, single submitter. Criteria: Natera Variant Classification Schema (03/2026). Collection method: clinical testing. Allele origin: germline.
Comment: The c.6799_6800delCA variant in EYS is a frameshift variant predicted to shift the reading frame beginning at codon 2267 and leads to a stop codon 15 codons downstream. This variant is expected to result in nonsense mediated decay, truncation, or a dysfunctional protein product. This variant is rare in the general population with a frequency below the threshold expected for the associated phenotype(s). This variant has been observed in one or more individuals affected with the associated recessive disease, as either homozygous or compound heterozygous with a second variant (PMID: 20537394). Given the available evidence, this variant is classified as Pathogenic.

Labcorp Genetics (formerly Invitae), Labcorp
Classification: Pathogenic. Last evaluated: 2022-06-29. Review status: criteria provided, single submitter. Criteria: Invitae Variant Classification Sherloc (09022015). Collection method: clinical testing. Allele origin: germline.
Comment: This sequence change creates a premature translational stop signal (p.Gln2267Glufs*15) in the EYS gene. It is expected to result in an absent or disrupted protein product. Loss-of-function variants in EYS are known to be pathogenic (PMID: 18836446, 20333770). This variant is not present in population databases (gnomAD no frequency). For these reasons, this variant has been classified as Pathogenic. This premature translational stop signal has been observed in individual(s) with clinical features of retinitis pigmentosa (PMID: 20537394, 29159838, 31074760).

Baylor Genetics
Classification: Pathogenic for Retinitis pigmentosa 25. Last evaluated: 2022-03-29. Review status: criteria provided, single submitter. Criteria: ACMG Guidelines, 2015. Collection method: clinical testing. Allele origin: unknown.

Blueprint Genetics
Classification: Pathogenic for EYS-related disorders. Last evaluated: 2021-11-12. Review status: criteria provided, single submitter. Criteria: ACMG Guidelines, 2015. Collection method: clinical testing. Allele origin: germline. Affected: yes. Observed: 1 variant allele.

Literature cited by the submitters: PubMed 31074760 (cited by Women's Health and Genetics/Laboratory Corporation of America, LabCorp and Labcorp Genetics (formerly Invitae), Labcorp); PubMed 20537394 (cited by Natera, Inc. and Labcorp Genetics (formerly Invitae), Labcorp); PubMed 18836446 (cited by Labcorp Genetics (formerly Invitae), Labcorp); PubMed 20333770 (cited by Labcorp Genetics (formerly Invitae), Labcorp); PubMed 29159838 (cited by Labcorp Genetics (formerly Invitae), Labcorp).